The following is an entry in ClinVar:

ClinVar aggregate classification (germline): Likely benign. Review status: criteria provided, multiple submitters, no conflicts (2 of 4 stars). 3 submissions from 3 submitters: Likely benign (3). Last evaluated 2019-04-24.

Conditions:
Anophthalmia-microphthalmia syndrome. Also called: Anophthalmia/Microphthalmia; Anophthalmia - microphthalmia. Identifiers: Orphanet 98555, MedGen C5680330, MONDO:0020147.

Allele frequency attached by ClinVar (database versions not stated): gnomAD exomes 0.00054; gnomAD 0.00502 and 0.00534; TOPMed 0.00542; 1000 Genomes Project 0.00599; 1000 Genomes Project 30x 0.00671.
gnomAD v4.1: 1,093 of 714,570 alleles (0.15%); highest among the groups gnomAD compares: African/African-American, 1.6%; 8 homozygotes.

Submissions (3):

GeneDx
Classification: Likely benign. Last evaluated: 2019-04-24. Review status: criteria provided, single submitter. Criteria: GeneDx Variant Classification Process June 2021. Collection method: clinical testing. Allele origin: germline. Affected: yes.

Illumina Laboratory Services, Illumina
Classification: Likely benign for Anophthalmia-microphthalmia syndrome. Last evaluated: 2018-01-12. Review status: criteria provided, single submitter. Criteria: ICSL Variant Classification Criteria 13 December 2019. Collection method: clinical testing. Allele origin: germline.
Comment: This variant was observed in the ICSL laboratory as part of a predisposition screen in an ostensibly healthy population. It had not been previously curated by ICSL or reported in the Human Gene Mutation Database (HGMD: prior to June 1st, 2018), and was therefore a candidate for classification through an automated scoring system. Utilizing variant allele frequency, disease prevalence and penetrance estimates, and inheritance mode, an automated score was calculated to assess if this variant is too frequent to cause the disease. Based on the score and internal cut-off values, a variant classified as likely benign is not then subjected to further curation. The score for this variant resulted in a classification of likely benign for this disease.

Breakthrough Genomics
Classification: Likely benign. Review status: criteria provided, single submitter. Criteria: ACMG Guidelines, 2015. Collection method: not provided. Allele origin: germline. Inheritance: Autosomal recessive inheritance. Affected: yes.

NM_007374.3(SIX6):c.-147T>C

Genes: C14orf39 (chromosome 14 open reading frame 39; minus strand), SIX6 (SIX homeobox 6; plus strand). Cytogenetic location: 14q23.1.
Variant type: single nucleotide variant.
Coding change: c.-147T>C on transcript NM_007374.3 (MANE Select); 147 bases upstream of the start codon, T replaced by C.
Molecular consequence: 5 prime UTR variant.
Genome position (GRCh38, 1-based): chr14:60,509,252, T>C. VCF-style: chr14-60509252-T-C. GRCh37 (hg19) VCF-style: chr14-60975970-T-C.
Identifiers: ClinVar variation 882017 (VCV000882017.7), dbSNP rs551864637, ClinGen allele CA262195794.
Genomic context (GRCh38, chr14:60,509,252, plus strand): 5'-CCCGAACCCCAAGCCGCGGAGCCAGCACCTCCTCCAGTCGGGGTCGTCCGCTCCCGGCCG[T>C]TGAGCCACCGCCGCCACCCGGTAGTGTGTCCCGCTGCCCCAATCCGCCTCATCAACAAGC-3'